The following is an entry in ClinVar:

NM_133261.3(GIPC3):c.613C>T (p.Arg205Trp)

Gene: GIPC3 (GIPC PDZ domain containing family member 3; plus strand). Cytogenetic location: 19p13.3.
Variant type: single nucleotide variant.
Coding change: c.613C>T on transcript NM_133261.3 (MANE Select); coding-DNA position 613, C replaced by T.
Protein change: p.Arg205Trp; replaces arginine 205 with tryptophan.
Molecular consequence: missense variant.
Genome position (GRCh38, 1-based): chr19:3,589,463, C>T. VCF-style: chr19-3589463-C-T. GRCh37 (hg19) VCF-style: chr19-3589461-C-T.
Other names: short protein forms R205W.
Identifiers: ClinVar variation 1344946 (VCV001344946.8), dbSNP rs182473859, ClinGen allele CA9080469.

ClinVar aggregate classification (germline): Uncertain significance. Review status: criteria provided, multiple submitters, no conflicts (2 of 4 stars). 4 submissions from 4 submitters: Uncertain significance (4). Last evaluated 2026-09-29.

Conditions:
GIPC3-related disorder. Also called: GIPC3-related condition.

Allele frequency attached by ClinVar (database versions not stated): 1000 Genomes Project 0.00020; gnomAD 0.00039 and 0.00036; 1000 Genomes Project 30x 0.00031; gnomAD exomes 0.00009; ESP Exome Variant Server 0.00015; TOPMed 0.00042.
gnomAD v4.1: 212 of 1,613,820 alleles (0.013%); highest among the groups gnomAD compares: African/African-American, 0.1%; no homozygotes.

Submissions (4):

GeneDx
Classification: Uncertain significance. Last evaluated: 2026-09-29. Review status: criteria provided, single submitter. Criteria: GeneDx Variant Classification Process June 2021. Collection method: clinical testing. Allele origin: germline.
Comment: In silico analysis supports that this missense variant has a deleterious effect on protein structure/function; Has not been previously published as pathogenic or benign to our knowledge

PreventionGenetics, part of Exact Sciences
Classification: Uncertain significance for GIPC3-related condition. Last evaluated: 2026-05-31. Review status: criteria provided, single submitter. Criteria: ACMG Guidelines, 2015. Collection method: clinical testing. Allele origin: germline.
Comment: The GIPC3 c.613C>T variant is predicted to result in the amino acid substitution p.Arg205Trp. To our knowledge, this variant has not been reported in the literature. This variant is reported in 0.12% of alleles in individuals of African descent in gnomAD. Although we suspect that this variant may be benign, at this time, the clinical significance of this variant is uncertain due to the absence of conclusive functional and genetic evidence.

Blueprint Genetics
Classification: Uncertain significance. Last evaluated: 2024-01-16. Review status: criteria provided, single submitter. Criteria: ACMG Guidelines, 2015. Collection method: clinical testing. Allele origin: germline.

Labcorp Genetics (formerly Invitae), Labcorp
Classification: Uncertain significance. Last evaluated: 2022-04-12. Review status: criteria provided, single submitter. Criteria: Invitae Variant Classification Sherloc (09022015). Collection method: clinical testing. Allele origin: germline.
Comment: This sequence change replaces arginine, which is basic and polar, with tryptophan, which is neutral and slightly polar, at codon 205 of the GIPC3 protein (p.Arg205Trp). This variant is present in population databases (rs182473859, gnomAD 0.1%). This missense change has been observed in individual(s) with deafness (Invitae). Algorithms developed to predict the effect of missense changes on protein structure and function are either unavailable or do not agree on the potential impact of this missense change (SIFT: "Deleterious"; PolyPhen-2: "Probably Damaging"; Align-GVGD: "Class C15"). In summary, the available evidence is currently insufficient to determine the role of this variant in disease. Therefore, it has been classified as a Variant of Uncertain Significance.